The following is an entry in ClinVar:

ClinVar aggregate classification (germline): Uncertain significance. Review status: criteria provided, multiple submitters, no conflicts (2 of 4 stars). 2 submissions from 2 submitters: Uncertain significance (2). Last evaluated 2025-09-24.

Conditions:
Polyglandular autoimmune syndrome, type 1 (APS1). Also called: HYPOADRENOCORTICISM WITH HYPOPARATHYROIDISM AND SUPERFICIAL MONILIASIS; PGA I; AUTOIMMUNE POLYENDOCRINE SYNDROME, TYPE I, WITH OR WITHOUT REVERSIBLE METAPHYSEAL DYSPLASIA; APS I; Autoimmune polyendocrinopathy syndrome, type I; Autoimmune polyendocrinopathy syndrome , type I, with or without reversible metaphyseal dysplasia. Identifiers: Orphanet 3453, MedGen C0085859, MONDO:0009411, OMIM 240300.

gnomAD v4.1: 37 of 1,555,548 alleles (0.0024%); highest among the groups gnomAD compares: Admixed American, 0.05%; no homozygotes.

Submissions (2):

Labcorp Genetics (formerly Invitae), Labcorp
Classification: Uncertain significance for Polyglandular autoimmune syndrome, type 1. Last evaluated: 2025-09-24. Review status: criteria provided, single submitter. Criteria: Invitae Variant Classification Sherloc (09022015). Collection method: clinical testing. Allele origin: germline.
Comment: This sequence change replaces glycine, which is neutral and non-polar, with arginine, which is basic and polar, at codon 178 of the AIRE protein (p.Gly178Arg). The frequency data for this variant in the population databases is considered unreliable, as metrics indicate poor data quality at this position in the gnomAD database. This variant has not been reported in the literature in individuals affected with AIRE-related conditions. Invitae Evidence Modeling of protein sequence and biophysical properties (such as structural, functional, and spatial information, amino acid conservation, physicochemical variation, residue mobility, and thermodynamic stability) indicates that this missense variant is expected to disrupt AIRE protein function with a positive predictive value of 95%. In summary, the available evidence is currently insufficient to determine the role of this variant in disease. Therefore, it has been classified as a Variant of Uncertain Significance.

Mayo Clinic Laboratories, Mayo Clinic
Classification: Uncertain significance. Last evaluated: 2025-08-22. Review status: criteria provided, single submitter. Criteria: ACMG Guidelines, 2015. Collection method: clinical testing. Allele origin: germline. Observed: 1 variant allele.
Comment: PM2_supporting

NM_000383.4(AIRE):c.532G>A (p.Gly178Arg)

Gene: AIRE (autoimmune regulator; plus strand). Cytogenetic location: 21q22.3.
Variant type: single nucleotide variant.
Coding change: c.532G>A on transcript NM_000383.4 (MANE Select); coding-DNA position 532, G replaced by A.
Protein change: p.Gly178Arg; replaces glycine 178 with arginine.
Molecular consequence: missense variant.
Genome position (GRCh38, 1-based): chr21:44,287,585, G>A. VCF-style: chr21-44287585-G-A. GRCh37 (hg19) VCF-style: chr21-45707468-G-A.
Other names: p.Gly178Arg; short protein forms G178R.
Identifiers: ClinVar variation 4542413 (VCV004542413.2).